The following is an entry in ClinVar:

NM_005732.4(RAD50):c.10A>G (p.Ile4Val)

Gene: RAD50 (RAD50 double strand break repair protein; plus strand). Cytogenetic location: 5q31.1.
Variant type: single nucleotide variant.
Coding change: c.10A>G on transcript NM_005732.4 (MANE Select); coding-DNA position 10, A replaced by G.
Protein change: p.Ile4Val; replaces isoleucine 4 with valine.
Molecular consequence: missense variant.
Genome position (GRCh38, 1-based): chr5:132,557,334, A>G. VCF-style: chr5-132557334-A-G. GRCh37 (hg19) VCF-style: chr5-131893026-A-G.
Other names: short protein forms I4V.
Identifiers: ClinVar variation 408413 (VCV000408413.16), dbSNP rs1060501972, ClinGen allele CA16611702.

ClinVar aggregate classification (germline): Uncertain significance. Review status: criteria provided, multiple submitters, no conflicts (2 of 4 stars). 2 submissions from 2 submitters: Uncertain significance (2). Last evaluated 2025-01-01.

Conditions:
Hereditary cancer-predisposing syndrome. Also called: Hereditary Cancer Syndrome; Hereditary neoplastic syndrome; Neoplastic Syndromes, Hereditary; Tumor predisposition. Identifiers: Orphanet 140162, MedGen C0027672, MeSH D009386, MONDO:0015356.

Allele frequency attached by ClinVar (database versions not stated): gnomAD 0.00001 and 0.00002; gnomAD exomes 0.00001; TOPMed 0.00001.
gnomAD v4.1: 14 of 1,614,078 alleles (0.00087%); highest among the groups gnomAD compares: Non-Finnish European, 0.0012%; no homozygotes.

Submissions (2):

Ambry Genetics
Classification: Uncertain significance for Hereditary cancer-predisposing syndrome. Last evaluated: 2025-01-01. Review status: criteria provided, single submitter. Criteria: Ambry Variant Classification Scheme 2023. Collection method: clinical testing. Allele origin: germline.
Comment: The p.I4V variant (also known as c.10A>G), located in coding exon 1 of the RAD50 gene, results from an A to G substitution at nucleotide position 10. The isoleucine at codon 4 is replaced by valine, an amino acid with highly similar properties. This amino acid position is highly conserved in available vertebrate species. In addition, this alteration is predicted to be tolerated by in silico analysis. Since supporting evidence is limited at this time, the clinical significance of this variant remains unclear.

Labcorp Genetics (formerly Invitae), Labcorp
Classification: Uncertain significance for Hereditary cancer-predisposing syndrome. Last evaluated: 2024-02-11. Review status: criteria provided, single submitter. Criteria: Invitae Variant Classification Sherloc (09022015). Collection method: clinical testing. Allele origin: germline.
Comment: This sequence change replaces isoleucine, which is neutral and non-polar, with valine, which is neutral and non-polar, at codon 4 of the RAD50 protein (p.Ile4Val). This variant is present in population databases (no rsID available, gnomAD 0.007%). This variant has not been reported in the literature in individuals affected with RAD50-related conditions. ClinVar contains an entry for this variant (Variation ID: 408413). Advanced modeling of protein sequence and biophysical properties (such as structural, functional, and spatial information, amino acid conservation, physicochemical variation, residue mobility, and thermodynamic stability) performed at Invitae indicates that this missense variant is not expected to disrupt RAD50 protein function with a negative predictive value of 80%. In summary, the available evidence is currently insufficient to determine the role of this variant in disease. Therefore, it has been classified as a Variant of Uncertain Significance.